The following is an entry in ClinVar:

ClinVar aggregate classification (germline): Uncertain significance. Review status: criteria provided, multiple submitters, no conflicts (2 of 4 stars). 3 submissions from 3 submitters: Uncertain significance (2). 1 of the submissions does not count toward it. Last evaluated 2025-10-21.

Conditions:
Cohen syndrome (COH1). Also called: Cutis verticis gyrata, retinitis pigmentosa, and sensorineural deafness; PEPPER SYNDROME. Identifiers: Orphanet 193, MedGen C0265223, MONDO:0008999, OMIM 216550.
VPS13B-related disorder. Also called: VPS13B-related condition.

Allele frequency attached by ClinVar (database versions not stated): gnomAD exomes below 0.00001 and 0.00001; TOPMed below 0.00001.
gnomAD v4.1: 5 of 1,614,138 alleles (0.00031%); highest among the groups gnomAD compares: Admixed American, 0.0033%; no homozygotes.

Submissions (3):

Labcorp Genetics (formerly Invitae), Labcorp
Classification: Uncertain significance for Cohen syndrome. Last evaluated: 2025-10-21. Review status: criteria provided, single submitter. Criteria: Invitae Variant Classification Sherloc (09022015). Collection method: clinical testing. Allele origin: germline.
Comment: This sequence change replaces valine, which is neutral and non-polar, with isoleucine, which is neutral and non-polar, at codon 3794 of the VPS13B protein (p.Val3794Ile). This variant is present in population databases (no rsID available, gnomAD 0.006%). This variant has not been reported in the literature in individuals affected with VPS13B-related conditions. ClinVar contains an entry for this variant (Variation ID: 1052994). Invitae Evidence Modeling of protein sequence and biophysical properties (such as structural, functional, and spatial information, amino acid conservation, physicochemical variation, residue mobility, and thermodynamic stability) indicates that this missense variant is expected to disrupt VPS13B protein function with a positive predictive value of 80%. In summary, the available evidence is currently insufficient to determine the role of this variant in disease. Therefore, it has been classified as a Variant of Uncertain Significance.

PreventionGenetics, part of Exact Sciences
Classification: Uncertain significance for VPS13B-related condition. Last evaluated: 2025-06-24. Review status: criteria provided, single submitter. Criteria: ACMG Guidelines, 2015. Collection method: clinical testing. Allele origin: germline.
Comment: The VPS13B c.11305G>A variant is predicted to result in the amino acid substitution p.Val3769Ile. To our knowledge, this variant has not been reported in the literature. This variant is reported in 0.0029% of alleles in individuals of Latino descent in gnomAD. At this time, the clinical significance of this variant is uncertain due to the absence of conclusive functional and genetic evidence.

Natera, Inc.
Classification: Uncertain significance for Cohen syndrome. Last evaluated: 2020-08-10. Review status: no assertion criteria provided. Collection method: clinical testing. Allele origin: germline. Not counted in ClinVar's aggregate classification.

NM_152564.5(VPS13B):c.11305G>A (p.Val3769Ile)

Gene: VPS13B (vacuolar protein sorting 13 homolog B; plus strand). Cytogenetic location: 8q22.2.
Variant type: single nucleotide variant.
Coding change: c.11305G>A on transcript NM_152564.5 (MANE Select); coding-DNA position 11305, G replaced by A.
Protein change: p.Val3769Ile; replaces valine 3769 with isoleucine.
Molecular consequence: missense variant.
Genome position (GRCh38, 1-based): chr8:99,868,378, G>A. VCF-style: chr8-99868378-G-A. GRCh37 (hg19) VCF-style: chr8-100880606-G-A.
Other names: c.11305G>A (NM_152564.4); c.11380G>A, p.Val3794Ile (NM_017890.5); short protein forms V3769I, V3794I.
Identifiers: ClinVar variation 1052994 (VCV001052994.9), dbSNP rs1375551293, ClinGen allele CA371792066.